The following is an entry in ClinVar:

ClinVar aggregate classification (germline): Likely pathogenic (1 of 4 stars; one submission).

Conditions:
Dilated cardiomyopathy 1G (CMD1G). Identifiers: Orphanet 154, MedGen C1858763, MONDO:0011400, OMIM 604145.
Autosomal recessive limb-girdle muscular dystrophy type 2J (LGMDR10). Also called: MUSCULAR DYSTROPHY, LIMB-GIRDLE, AUTOSOMAL RECESSIVE 10; Limb-girdle muscular dystrophy, type 2J. Identifiers: Orphanet 140922, MedGen C1837342, MONDO:0012127, OMIM 608807.

Submission:

Labcorp Genetics (formerly Invitae), Labcorp
Classification: Likely pathogenic for Dilated cardiomyopathy 1G; Autosomal recessive limb-girdle muscular dystrophy type 2J. Last evaluated: 2024-10-28. Review status: criteria provided, single submitter. Criteria: Invitae Variant Classification Sherloc (09022015). Collection method: clinical testing. Allele origin: germline.
Comment: This sequence change creates a premature translational stop signal (p.Arg11709*) in the TTN gene. While this is not anticipated to result in nonsense mediated decay, it is expected to create a truncated TTN protein. This variant is not present in population databases (gnomAD no frequency). This variant has not been reported in the literature in individuals affected with TTN-related conditions. ClinVar contains an entry for this variant (Variation ID: 2005237). This variant is located in the I band of TTN (PMID: 25589632). Truncating variants in this region have been reported in individuals affected with autosomal recessive centronuclear myopathy (PMID: 23975875, internal data). Truncating variants in this region have also been identified in individuals affected with autosomal dominant dilated cardiomyopathy and/or cardio-related conditions (PMID: 27869827, 32964742, internal data). In summary, the currently available evidence indicates that the variant is pathogenic, but additional data are needed to prove that conclusively. Therefore, this variant has been classified as Likely Pathogenic.

Literature cited by the submitters: PubMed 25589632; PubMed 23975875; PubMed 27869827; PubMed 32964742.

NM_001267550.2(TTN):c.35125A>T (p.Arg11709Ter)

Gene: TTN (titin; minus strand). Cytogenetic location: 2q31.2.
Variant type: single nucleotide variant.
Coding change: c.35125A>T on transcript NM_001267550.2 (MANE Select); coding-DNA position 35125, A replaced by T.
Protein change: p.Arg11709Ter; replaces arginine 11709 with a stop codon.
Molecular consequence: nonsense. On other transcripts: intron variant (3).
Genome position (GRCh38, 1-based): chr2:178,672,073, T>A on the plus strand (A>T on the coding strand, the complement: TTN is on the minus strand). VCF-style: chr2-178672073-T-A. GRCh37 (hg19) VCF-style: chr2-179536800-T-A.
Other names: c.34003A>T, p.Arg11335Ter (NM_001256850.1); c.31222A>T, p.Arg10408Ter (NM_133378.4); c.13283-29756A>T (NM_003319.4); c.13859-29756A>T (NM_133437.4); c.13658-29756A>T (NM_133432.3); short protein forms R10408*, R11335*, R11709*.
Identifiers: ClinVar variation 2005237 (VCV002005237.4), dbSNP rs371165076, ClinGen allele CA349517411.